The following is an entry in ClinVar:

NM_002439.5(MSH3):c.1763+2T>C

Gene: MSH3 (mutS homolog 3; plus strand). Cytogenetic location: 5q14.1.
Variant type: single nucleotide variant.
Coding change: c.1763+2T>C on transcript NM_002439.5 (MANE Select); the canonical splice donor site of the intron after coding-DNA position 1763, T replaced by C.
Molecular consequence: splice donor variant.
Genome position (GRCh38, 1-based): chr5:80,744,617, T>C. VCF-style: chr5-80744617-T-C. GRCh37 (hg19) VCF-style: chr5-80040436-T-C.
Identifiers: ClinVar variation 647915 (VCV000647915.14), dbSNP rs376456666, ClinGen allele CA121301514.

ClinVar aggregate classification (germline): Conflicting classifications of pathogenicity. Review status: criteria provided, conflicting classifications (1 of 4 stars). 3 submissions from 3 submitters: Likely pathogenic (2); Uncertain significance (1). Last evaluated 2025-12-23.

Conditions:
Familial adenomatous polyposis 4 (FAP4). Also called: MSH3-related attenuated familial adenomatous polyposis. Identifiers: Orphanet 480536, MedGen C4310719, MONDO:0044300, OMIM 617100.
Hereditary cancer-predisposing syndrome. Also called: Hereditary Cancer Syndrome; Tumor predisposition; Hereditary neoplastic syndrome; Neoplastic Syndromes, Hereditary. Identifiers: Orphanet 140162, MedGen C0027672, MeSH D009386, MONDO:0015356.

Allele frequency attached by ClinVar (database versions not stated): gnomAD exomes below 0.00001; TOPMed below 0.00001; ESP Exome Variant Server 0.00008.
gnomAD v4.1: 4 of 1,599,044 alleles (0.00025%); highest among the groups gnomAD compares: East Asian, 0.0022%; no homozygotes.

Submissions (3):

Labcorp Genetics (formerly Invitae), Labcorp
Classification: Likely pathogenic. Last evaluated: 2025-12-23. Review status: criteria provided, single submitter. Criteria: Invitae Variant Classification Sherloc (09022015). Collection method: clinical testing. Allele origin: germline.
Comment: This sequence change affects a donor splice site in intron 12 of the MSH3 gene. It is expected to disrupt RNA splicing. Variants that disrupt the donor or acceptor splice site typically lead to a loss of protein function (PMID: 16199547), and loss-of-function variants in MSH3 are known to be pathogenic (PMID: 27476653, 37402566). This variant is not present in population databases (gnomAD no frequency). This variant has not been reported in the literature in individuals affected with MSH3-related conditions. ClinVar contains an entry for this variant (Variation ID: 647915). Algorithms developed to predict the effect of sequence changes on RNA splicing suggest that this variant may disrupt the consensus splice site. In summary, the currently available evidence indicates that the variant is pathogenic, but additional data are needed to prove that conclusively. Therefore, this variant has been classified as Likely Pathogenic.

Ambry Genetics
Classification: Uncertain significance for Hereditary cancer-predisposing syndrome. Last evaluated: 2025-01-23. Review status: criteria provided, single submitter. Criteria: Ambry Variant Classification Scheme 2023. Collection method: clinical testing. Allele origin: germline.
Comment: The c.1763+2T>C intronic variant results from a T to C substitution two nucleotides after coding exon 12 in the MSH3 gene. This nucleotide position is highly conserved in available vertebrate species. In silico splice site analysis predicts that this alteration will weaken the native splice donor site; however, direct evidence is insufficient at this time (Ambry internal data). Alterations that disrupt the canonical splice site are expected to cause aberrant splicing, resulting in an abnormal protein or a transcript that is subject to nonsense-mediated mRNA decay; however, +2T>C alterations are capable of generating wild-type transcripts in some genomic contexts and should be interpreted with caution (Lin JH et al. Hum Mutat. 2019 10;40:1856-1873). Since supporting evidence is limited at this time, the clinical significance of this alteration remains unclear.

Myriad Genetics, Inc.
Classification: Likely pathogenic for Familial adenomatous polyposis 4. Last evaluated: 2023-08-30. Review status: criteria provided, single submitter. Criteria: Myriad Autosomal Dominant, Autosomal Recessive and X-Linked Classification Criteria (2023). Collection method: clinical testing. Allele origin: unknown.
Comment: This variant is considered likely pathogenic. This variant occurs within a consensus splice junction and is predicted to result in abnormal mRNA splicing of either an out-of-frame exon or an in-frame exon necessary for protein stability and/or normal function.

Literature cited by the submitters: PubMed 16199547 (cited by Labcorp Genetics (formerly Invitae), Labcorp); PubMed 27476653 (cited by Labcorp Genetics (formerly Invitae), Labcorp); PubMed 37402566 (cited by Labcorp Genetics (formerly Invitae), Labcorp).